The following is an entry in ClinVar:

NM_006904.7(PRKDC):c.4159G>A (p.Gly1387Arg)

Gene: PRKDC (protein kinase, DNA-activated, catalytic subunit; minus strand). Cytogenetic location: 8q11.21.
Variant type: single nucleotide variant.
Coding change: c.4159G>A on transcript NM_006904.7 (MANE Select); coding-DNA position 4159, G replaced by A.
Protein change: p.Gly1387Arg; replaces glycine 1387 with arginine.
Molecular consequence: missense variant.
Genome position (GRCh38, 1-based): chr8:47,889,135, C>T on the plus strand (G>A on the coding strand, the complement: PRKDC is on the minus strand). VCF-style: chr8-47889135-C-T. GRCh37 (hg19) VCF-style: chr8-48801696-C-T.
Other names: c.4159G>A, p.Gly1387Arg (NM_001081640.2); short protein forms G1387R.
Identifiers: ClinVar variation 541992 (VCV000541992.10), dbSNP rs562542456, ClinGen allele CA4740990.
Genomic context (GRCh38, chr8:47,889,135, plus strand): 5'-TTAGAGCTTTCATCAGATTCACACAAACATCAGGAAGATGAGCCATAACCTGGACGTCTC[C>T]GATGTTGAAACCTATGCTTGCGGGCTCACACAGCGTCTGCACCAGGACTCTCATCAGGTG-3'
Protein context (NP_008835.5, residues 1377-1397): CEPASIGFNI[Gly1387Arg]DVQVMAHLPD

ClinVar aggregate classification (germline): Uncertain significance. Review status: criteria provided, multiple submitters, no conflicts (2 of 4 stars). 2 submissions from 2 submitters: Uncertain significance (2). Last evaluated 2025-05-27.

Conditions:
Severe combined immunodeficiency due to DNA-PKcs deficiency. Also called: IMMUNODEFICIENCY 26 WITH NEUROLOGIC ABNORMALITIES; Immunodeficiency 26 with or without neurologic abnormalities. Identifiers: Orphanet 317425, MedGen C4014833, MONDO:0014423, OMIM 615966.

Allele frequency attached by ClinVar (database versions not stated): gnomAD 0.00001 and 0.00002; gnomAD exomes 0.00001 and 0.00002; ExAC 0.00002; TOPMed 0.00002; 1000 Genomes Project 30x 0.00016; 1000 Genomes Project 0.00020.
gnomAD v4.1: 18 of 1,613,994 alleles (0.0011%); highest among the groups gnomAD compares: South Asian, 0.0044%; no homozygotes.

Submissions (2):

Labcorp Genetics (formerly Invitae), Labcorp
Classification: Uncertain significance for Severe combined immunodeficiency due to DNA-PKcs deficiency. Last evaluated: 2025-05-27. Review status: criteria provided, single submitter. Criteria: Invitae Variant Classification Sherloc (09022015). Collection method: clinical testing. Allele origin: germline.
Comment: This sequence change replaces glycine, which is neutral and non-polar, with arginine, which is basic and polar, at codon 1387 of the PRKDC protein (p.Gly1387Arg). This variant is present in population databases (rs562542456, gnomAD 0.003%). This variant has not been reported in the literature in individuals affected with PRKDC-related conditions. ClinVar contains an entry for this variant (Variation ID: 541992). Invitae Evidence Modeling of protein sequence and biophysical properties (such as structural, functional, and spatial information, amino acid conservation, physicochemical variation, residue mobility, and thermodynamic stability) indicates that this missense variant is not expected to disrupt PRKDC protein function with a negative predictive value of 80%. In summary, the available evidence is currently insufficient to determine the role of this variant in disease. Therefore, it has been classified as a Variant of Uncertain Significance.

Blueprint Genetics
Classification: Uncertain significance. Last evaluated: 2022-03-15. Review status: criteria provided, single submitter. Criteria: ACMG Guidelines, 2015. Collection method: clinical testing. Allele origin: germline.